The following is an entry in ClinVar:

ClinVar aggregate classification (germline): Uncertain significance (1 of 4 stars; one submission).

gnomAD v4.1: 2 of 1,611,290 alleles (0.00012%); highest among the groups gnomAD compares: Non-Finnish European, 0.00017%; no homozygotes.

Submission:

Ambry Genetics
Classification: Uncertain significance. Last evaluated: 2024-12-12. Review status: criteria provided, single submitter. Criteria: Ambry Variant Classification Scheme 2023. Collection method: clinical testing. Allele origin: germline.
Comment: The p.S125R variant (also known as c.375C>A), located in coding exon 3 of the GFI1 gene, results from a C to A substitution at nucleotide position 375. The serine at codon 125 is replaced by arginine, an amino acid with dissimilar properties. This amino acid position is conserved. In addition, this alteration is predicted to be tolerated by in silico analysis. Based on the available evidence, the clinical significance of this variant remains unclear.

NM_005263.5(GFI1):c.375C>A (p.Ser125Arg)

Gene: GFI1 (growth factor independent 1 transcriptional repressor; minus strand). Cytogenetic location: 1p22.1.
Variant type: single nucleotide variant.
Coding change: c.375C>A on transcript NM_005263.5 (MANE Select); coding-DNA position 375, C replaced by A.
Protein change: p.Ser125Arg; replaces serine 125 with arginine.
Molecular consequence: missense variant.
Genome position (GRCh38, 1-based): chr1:92,481,012, G>T on the plus strand (C>A on the coding strand, the complement: GFI1 is on the minus strand). VCF-style: chr1-92481012-G-T. GRCh37 (hg19) VCF-style: chr1-92946569-G-T.
Other names: c.375C>A, p.Ser125Arg (NM_001127215.3, NM_001127216.3); short protein forms S125R.
Identifiers: ClinVar variation 3853647 (VCV003853647.1).